The following is an entry in ClinVar:

ClinVar aggregate classification (germline): Uncertain significance (1 of 4 stars; one submission).

Submission:

GeneDx
Classification: Uncertain significance. Last evaluated: 2024-06-05. Review status: criteria provided, single submitter. Criteria: GeneDx Variant Classification Process June 2021. Collection method: clinical testing. Allele origin: germline. Affected: yes.
Comment: Not observed at significant frequency in large population cohorts (gnomAD); In silico analysis indicates that this missense variant does not alter protein structure/function; Has not been previously published as pathogenic or benign to our knowledge

NM_015001.3(SPEN):c.7567A>G (p.Lys2523Glu)

Gene: SPEN (spen family transcriptional repressor; plus strand). Cytogenetic location: 1p36.13.
Variant type: single nucleotide variant.
Coding change: c.7567A>G on transcript NM_015001.3 (MANE Select); coding-DNA position 7567, A replaced by G.
Protein change: p.Lys2523Glu; replaces lysine 2523 with glutamic acid.
Molecular consequence: missense variant.
Genome position (GRCh38, 1-based): chr1:15,933,807, A>G. VCF-style: chr1-15933807-A-G. GRCh37 (hg19) VCF-style: chr1-16260302-A-G.
Other names: short protein forms K2523E.
Identifiers: ClinVar variation 3384270 (VCV003384270.1).
Genomic context (GRCh38, chr1:15,933,807, plus strand): 5'-ACAAGGCAGGAGGAGCCACGGGCTCAGTCTACTCCATCTCCAGCTCTTCCCCCAGACACA[A>G]AGGCCTCTGATGTTGACACCAGCTCCAGCACCCTGAGGAAGATTCTCATGGACCCCAAGT-3'
Protein context (NP_055816.2, residues 2513-2533): TPSPALPPDT[Lys2523Glu]ASDVDTSSST